The following is an entry in ClinVar:

NM_016151.4(TAOK2):c.446A>G (p.His149Arg)

Gene: TAOK2 (TAO kinase 2; plus strand). Cytogenetic location: 16p11.2.
Variant type: single nucleotide variant.
Coding change: c.446A>G on transcript NM_016151.4 (MANE Select); coding-DNA position 446, A replaced by G.
Protein change: p.His149Arg; replaces histidine 149 with arginine.
Molecular consequence: missense variant.
Genome position (GRCh38, 1-based): chr16:29,979,067, A>G. VCF-style: chr16-29979067-A-G. GRCh37 (hg19) VCF-style: chr16-29990388-A-G.
Other names: c.446A>G, p.His149Arg (NM_001252043.2, NM_004783.4); short protein forms H149R.
Identifiers: ClinVar variation 2753629 (VCV002753629.3), dbSNP rs2543609643, ClinGen allele CA395471985.

ClinVar aggregate classification (germline): Uncertain significance (1 of 4 stars; one submission).

Allele frequency attached by ClinVar (database versions not stated): gnomAD exomes below 0.00001.

Submission:

Labcorp Genetics (formerly Invitae), Labcorp
Classification: Uncertain significance. Last evaluated: 2023-08-17. Review status: criteria provided, single submitter. Criteria: Invitae Variant Classification Sherloc (09022015). Collection method: clinical testing. Allele origin: germline.
Comment: Algorithms developed to predict the effect of sequence changes on RNA splicing suggest that this variant may create or strengthen a splice site. In summary, the available evidence is currently insufficient to determine the role of this variant in disease. Therefore, it has been classified as a Variant of Uncertain Significance. An algorithm developed to predict the effect of missense changes on protein structure and function (PolyPhen-2) suggests that this variant is likely to be disruptive. This variant has not been reported in the literature in individuals affected with TAOK2-related conditions. This variant is not present in population databases (gnomAD no frequency). This sequence change replaces histidine, which is basic and polar, with arginine, which is basic and polar, at codon 149 of the TAOK2 protein (p.His149Arg).